The following is an entry in ClinVar:

ClinVar aggregate classification (germline): Benign. Review status: criteria provided, multiple submitters, no conflicts (2 of 4 stars). 2 submissions from 2 submitters: Benign (2). Last evaluated 2026-09-01.

Allele frequency attached by ClinVar (database versions not stated): ESP Exome Variant Server 0.00130; gnomAD 0.00150 and 0.00182; TOPMed 0.00199; gnomAD exomes 0.00266; ExAC 0.00303; 1000 Genomes Project 30x 0.00390; 1000 Genomes Project 0.00439.
gnomAD v4.1: 3,162 of 1,613,588 alleles (0.2%); highest among the groups gnomAD compares: Middle Eastern, 1.2%; 28 homozygotes.

Submissions (2):

CeGaT Center for Human Genetics Tuebingen
Classification: Benign. Last evaluated: 2026-09-01. Review status: criteria provided, single submitter. Criteria: CeGaT Center For Human Genetics Tuebingen Variant Classification Criteria Version 2. Collection method: clinical testing. Allele origin: germline. Affected: yes. Observed: 1 variant allele.
Comment: ADGRG6: BS1, BS2

Labcorp Genetics (formerly Invitae), Labcorp
Classification: Benign. Last evaluated: 2019-12-31. Review status: criteria provided, single submitter. Criteria: Invitae Variant Classification Sherloc (09022015). Collection method: clinical testing. Allele origin: germline.

NM_198569.3(ADGRG6):c.2785C>T (p.Leu929Phe)

Gene: ADGRG6 (adhesion G protein-coupled receptor G6; plus strand). Cytogenetic location: 6q24.2.
Variant type: single nucleotide variant.
Coding change: c.2785C>T on transcript NM_198569.3 (MANE Select); coding-DNA position 2785, C replaced by T.
Protein change: p.Leu929Phe; replaces leucine 929 with phenylalanine.
Molecular consequence: missense variant.
Genome position (GRCh38, 1-based): chr6:142,415,911, C>T. VCF-style: chr6-142415911-C-T. GRCh37 (hg19) VCF-style: chr6-142737048-C-T.
Other names: c.2701C>T, p.Leu901Phe (NM_001032394.3, NM_001032395.3); c.2785C>T, p.Leu929Phe (NM_020455.6); short protein forms L901F, L929F.
Identifiers: ClinVar variation 779336 (VCV000779336.5), dbSNP rs186655757, ClinGen allele CA4027252.
Genomic context (GRCh38, chr6:142,415,911, plus strand): 5'-CTGTTCCTGAATCTCCTCTTCCTCCTAGATGGCTGGATCACCTCCTTCAATGTGGATGGA[C>T]TTTGCATTGCTGTTGCAGTCCTGTTGCATTTCTTCCTTCTGGCAACCTTTACCTGGATGG-3'
Protein context (NP_940971.2, residues 919-939): GWITSFNVDG[Leu929Phe]CIAVAVLLHF